The following is an entry in ClinVar:

ClinVar aggregate classification (germline): Benign. Review status: criteria provided, single submitter (1 of 4 stars). 2 submissions from 2 submitters: Benign (1). 1 of the submissions does not count toward it. Last evaluated 2018-08-17.

Conditions:
SF3B1-related disorder. Also called: SF3B1-related condition.

Allele frequency attached by ClinVar (database versions not stated): 1000 Genomes Project 30x 0.00016; 1000 Genomes Project 0.00020; ESP Exome Variant Server 0.00054; TOPMed 0.00063; gnomAD exomes 0.00177 and 0.00242; gnomAD 0.00216 and 0.00230; ExAC 0.00237.
gnomAD v4.1: 2,882 of 1,613,484 alleles (0.18%); highest among the groups gnomAD compares: Non-Finnish European, 0.13%; 7 homozygotes.

Submissions (2):

Labcorp Genetics (formerly Invitae), Labcorp
Classification: Benign. Last evaluated: 2018-08-17. Review status: criteria provided, single submitter. Criteria: Invitae Variant Classification Sherloc (09022015). Collection method: clinical testing. Allele origin: germline.

PreventionGenetics, part of Exact Sciences
Classification: Benign for SF3B1-related condition. Last evaluated: 2019-09-17. Review status: no assertion criteria provided. Collection method: clinical testing. Allele origin: germline. Not counted in ClinVar's aggregate classification.
Comment: This variant is classified as benign based on ACMG/AMP sequence variant interpretation guidelines (Richards et al. 2015 PMID: 25741868, with internal and published modifications).

NM_012433.4(SF3B1):c.1194A>C (p.Pro398=)

Gene: SF3B1 (splicing factor 3b subunit 1; minus strand). Cytogenetic location: 2q33.1.
Variant type: single nucleotide variant.
Coding change: c.1194A>C on transcript NM_012433.4 (MANE Select); coding-DNA position 1194, A replaced by C.
Protein change: p.Pro398=; no amino-acid change (proline 398 retained).
Molecular consequence: synonymous variant.
Genome position (GRCh38, 1-based): chr2:197,408,043, T>G on the plus strand (A>C on the coding strand, the complement: SF3B1 is on the minus strand). VCF-style: chr2-197408043-T-G. GRCh37 (hg19) VCF-style: chr2-198272767-T-G.
Identifiers: ClinVar variation 733790 (VCV000733790.5), dbSNP rs71422649, ClinGen allele CA2042776.
Genomic context (GRCh38, chr2:197,408,043, plus strand): 5'-AATTTGATGTACTACCTTATATCCTTCTGGGAACATAGCATCTAATTCCTCATCAGAAAG[T>G]GGGCGATTTCTCTCATCAATTTCTCTTTCCCACCGCCAAGCCTGAAGCTGTTCAGGAGTC-3'
Protein context (NP_036565.2, residues 388-408): WEREIDERNR[Pro398=]LSDEELDAMF